The following is an entry in ClinVar:

NM_001039141.3(TRIOBP):c.5767G>A (p.Ala1923Thr)

Gene: TRIOBP (TRIO and F-actin binding protein; plus strand). Cytogenetic location: 22q13.1.
Variant type: single nucleotide variant.
Coding change: c.5767G>A on transcript NM_001039141.3 (MANE Select); coding-DNA position 5767, G replaced by A.
Protein change: p.Ala1923Thr; replaces alanine 1923 with threonine.
Molecular consequence: missense variant.
Genome position (GRCh38, 1-based): chr22:37,757,692, G>A. VCF-style: chr22-37757692-G-A. GRCh37 (hg19) VCF-style: chr22-38153699-G-A.
Other names: c.628G>A, p.Ala210Thr (NM_007032.5, NM_138632.2); short protein forms A1923T, A210T.
Identifiers: ClinVar variation 178559 (VCV000178559.42), dbSNP rs150947392, ClinGen allele CA182556.

ClinVar aggregate classification (germline): Benign/Likely benign. Review status: criteria provided, multiple submitters, no conflicts (2 of 4 stars). 7 submissions from 7 submitters: Benign (3); Likely benign (3). 1 of the submissions does not count toward it. Last evaluated 2025-12-01.

Conditions:
TRIOBP-related disorder. Also called: TRIOBP-related condition.
Autosomal recessive nonsyndromic hearing loss 28. Identifiers: Orphanet 90636, MedGen C1853276, MONDO:0012355, OMIM 609823.

Allele frequency attached by ClinVar (database versions not stated): 1000 Genomes Project 30x 0.00047; ESP Exome Variant Server 0.00054; 1000 Genomes Project 0.00060; gnomAD 0.00064 and 0.00066; TOPMed 0.00072; ExAC 0.00151.
gnomAD v4.1: 812 of 1,585,030 alleles (0.051%); highest among the groups gnomAD compares: Middle Eastern, 0.51%; 6 homozygotes.

Submissions (7):

CeGaT Center for Human Genetics Tuebingen
Classification: Likely benign. Last evaluated: 2025-12-01. Review status: criteria provided, single submitter. Criteria: CeGaT Center For Human Genetics Tuebingen Variant Classification Criteria Version 2. Collection method: clinical testing. Allele origin: germline. Affected: yes. Observed: 5 variant alleles.
Comment: TRIOBP: BP4, BS2

Labcorp Genetics (formerly Invitae), Labcorp
Classification: Benign. Last evaluated: 2025-11-03. Review status: criteria provided, single submitter. Criteria: Invitae Variant Classification Sherloc (09022015). Collection method: clinical testing. Allele origin: germline.

GeneDx
Classification: Likely benign. Last evaluated: 2020-10-06. Review status: criteria provided, single submitter. Criteria: GeneDx Variant Classification Process June 2021. Collection method: clinical testing. Allele origin: germline. Affected: yes.
Comment: This variant is associated with the following publications: (PMID: 29197352, 28089734, 26969326)

Department of Pathology and Laboratory Medicine, Sinai Health System
Classification: Benign for Autosomal recessive nonsyndromic hearing loss 28. Last evaluated: 2020-07-15. Review status: criteria provided, single submitter. Criteria: ACMG Guidelines, 2015. Collection method: research. Allele origin: germline.

Laboratory for Molecular Medicine, Mass General Brigham Personalized Medicine
Classification: Benign. Last evaluated: 2017-07-06. Review status: criteria provided, single submitter. Criteria: LMM Criteria. Collection method: clinical testing. Allele origin: germline. Inheritance: Autosomal recessive inheritance. Observed: 4 variant alleles.
Comment: p.Ala1923Thr in exon 16 of TRIOBP: This variant is not expected to have clinica l significance because it has been identified in 0.8% (75/9030) of Ashkenazi Jew ish chromosomes by the Genome Aggregation Database (gnomAD; dbSNP rs150947392). In addition, it is not conserved across specie s, including mammals. Of note, bushbaby, mouse, rat, kangaroo rat, and sloth hav e a threonine (Thr) at this position despite high nearby amino acid conservation .

Breakthrough Genomics
Classification: Likely benign. Review status: criteria provided, single submitter. Criteria: ACMG Guidelines, 2015. Collection method: not provided. Allele origin: germline. Inheritance: Autosomal recessive inheritance. Affected: yes.

PreventionGenetics, part of Exact Sciences
Classification: Benign for TRIOBP-related condition. Last evaluated: 2024-09-11. Review status: no assertion criteria provided. Collection method: clinical testing. Allele origin: germline. Not counted in ClinVar's aggregate classification.
Comment: This variant is classified as benign based on ACMG/AMP sequence variant interpretation guidelines (Richards et al. 2015 PMID: 25741868, with internal and published modifications).